The following is an entry in ClinVar:

ClinVar aggregate classification (germline): Uncertain significance (1 of 4 stars; one submission).

Submission:

Labcorp Genetics (formerly Invitae), Labcorp
Classification: Uncertain significance. Last evaluated: 2022-05-03. Review status: criteria provided, single submitter. Criteria: Invitae Variant Classification Sherloc (09022015). Collection method: clinical testing. Allele origin: germline.
Comment: In summary, the available evidence is currently insufficient to determine the role of this variant in disease. Therefore, it has been classified as a Variant of Uncertain Significance. This variant has not been reported in the literature in individuals affected with PCLO-related conditions. This variant is not present in population databases (gnomAD no frequency). This variant, c.1094_1123del, results in the deletion of 10 amino acid(s) of the PCLO protein (p.Pro365_Gln374del), but otherwise preserves the integrity of the reading frame.

NM_033026.6(PCLO):c.1094_1123del (p.Pro365_Gln374del)

Gene: PCLO (piccolo presynaptic cytomatrix protein; minus strand). Cytogenetic location: 7q21.11.
Variant type: Deletion.
Coding change: c.1094_1123del on transcript NM_033026.6 (MANE Select); coding-DNA positions 1094 to 1123, 30 bases deleted (CTCTTGGTCCTGCTAAGCCTCCAGCTCAGC).
Protein change: p.Pro365_Gln374del.
Molecular consequence: inframe deletion.
Genome position (GRCh38, 1-based): chr7:83,155,518-83,155,547, GCTGAGCTGGAGGCTTAGCAGGACCAAGAG deleted on the plus strand (CTCTTGGTCCTGCTAAGCCTCCAGCTCAGC on the coding strand, the reverse complement: PCLO is on the minus strand); deleting any 30 consecutive bases within chr7:83,155,518-83,155,563 gives the same sequence; the c. name uses the placement nearest the transcript's 3' end. VCF-style (leftmost placement, unchanged base first): chr7-83155517-TGCTGAGCTGGAGGCTTAGCAGGACCAAGAG-T. GRCh37 (hg19) VCF-style: chr7-82784833-TGCTGAGCTGGAGGCTTAGCAGGACCAAGAG-T.
Other names: c.1094_1123del, p.Pro365_Gln374del (NM_014510.3).
Identifiers: ClinVar variation 1896426 (VCV001896426.5), dbSNP rs71074627, ClinGen allele CA1721562908.